The following is an entry in ClinVar:

NM_002878.4(RAD51D):c.523A>C (p.Ile175Leu)

Genes: RAD51L3-RFFL (RAD51L3-RFFL readthrough; minus strand), RAD51D (RAD51 paralog D; minus strand). Cytogenetic location: 17q12.
Variant type: single nucleotide variant.
Coding change: c.523A>C on transcript NM_002878.4 (MANE Select); coding-DNA position 523, A replaced by C.
Protein change: p.Ile175Leu; replaces isoleucine 175 with leucine.
Molecular consequence: missense variant. On other transcripts: non-coding transcript variant (3).
Genome position (GRCh38, 1-based): chr17:35,106,439, T>G on the plus strand (A>C on the coding strand, the complement: RAD51D is on the minus strand). VCF-style: chr17-35106439-T-G. GRCh37 (hg19) VCF-style: chr17-33433458-T-G.
Other names: c.583A>C, p.Ile195Leu (NM_001142571.2); c.187A>C, p.Ile63Leu (NM_133629.3); short protein forms I175L, I63L, I195L.
Identifiers: ClinVar variation 484778 (VCV000484778.13), dbSNP rs1314057673, ClinGen allele CA399088825.

ClinVar aggregate classification (germline): Uncertain significance. Review status: criteria provided, multiple submitters, no conflicts (2 of 4 stars). 2 submissions from 2 submitters: Uncertain significance (2). Last evaluated 2025-10-27.

Conditions:
Breast-ovarian cancer, familial, susceptibility to, 4. Identifiers: Orphanet 145, MedGen C3280345, MONDO:0013669, OMIM 614291.
Hereditary cancer-predisposing syndrome. Also called: Neoplastic Syndromes, Hereditary; Tumor predisposition; Hereditary Cancer Syndrome; Hereditary neoplastic syndrome. Identifiers: Orphanet 140162, MedGen C0027672, MeSH D009386, MONDO:0015356.

Submissions (2):

Labcorp Genetics (formerly Invitae), Labcorp
Classification: Uncertain significance for Breast-ovarian cancer, familial, susceptibility to, 4. Last evaluated: 2025-10-27. Review status: criteria provided, single submitter. Criteria: Invitae Variant Classification Sherloc (09022015). Collection method: clinical testing. Allele origin: germline.
Comment: This sequence change replaces isoleucine, which is neutral and non-polar, with leucine, which is neutral and non-polar, at codon 175 of the RAD51D protein (p.Ile175Leu). This variant is not present in population databases (gnomAD no frequency). This variant has not been reported in the literature in individuals affected with RAD51D-related conditions. ClinVar contains an entry for this variant (Variation ID: 484778). Invitae Evidence Modeling of protein sequence and biophysical properties (such as structural, functional, and spatial information, amino acid conservation, physicochemical variation, residue mobility, and thermodynamic stability) indicates that this missense variant is not expected to disrupt RAD51D protein function with a negative predictive value of 80%. In summary, the available evidence is currently insufficient to determine the role of this variant in disease. Therefore, it has been classified as a Variant of Uncertain Significance.

Ambry Genetics
Classification: Uncertain significance for Hereditary cancer-predisposing syndrome. Last evaluated: 2025-05-06. Review status: criteria provided, single submitter. Criteria: Ambry Variant Classification Scheme 2023. Collection method: clinical testing. Allele origin: germline.
Comment: The p.I175L variant (also known as c.523A>C), located in coding exon 6 of the RAD51D gene, results from an A to C substitution at nucleotide position 523. The isoleucine at codon 175 is replaced by leucine, an amino acid with highly similar properties. This amino acid position is well conserved in available vertebrate species. In addition, the in silico prediction for this alteration is inconclusive. Since supporting evidence is limited at this time, the clinical significance of this alteration remains unclear.